The following is an entry in ClinVar:

NM_001242896.3(DEPDC5):c.418C>T (p.Gln140Ter)

Gene: DEPDC5 (DEP domain containing 5, GATOR1 subcomplex subunit; plus strand). Cytogenetic location: 22q12.2.
Variant type: single nucleotide variant.
Coding change: c.418C>T on transcript NM_001242896.3 (MANE Select); coding-DNA position 418, C replaced by T.
Protein change: p.Gln140Ter; replaces glutamine 140 with a stop codon.
Molecular consequence: nonsense. On other transcripts: non-coding transcript variant (5).
Genome position (GRCh38, 1-based): chr22:31,778,103, C>T. VCF-style: chr22-31778103-C-T. GRCh37 (hg19) VCF-style: chr22-32174089-C-T.
Other names: c.418C>T, p.Gln140Ter (NM_001007188.4, NM_001136029.4, NM_001242897.2 and 7 more transcripts); c.334C>T, p.Gln112Ter (NM_001369901.1, NM_001369902.1); c.418C>T (NM_001242896.2); short protein forms Q140*, Q112*.
Identifiers: ClinVar variation 190476 (VCV000190476.14), dbSNP rs786205703, ClinGen allele CA199733.
Genomic context (GRCh38, chr22:31,778,103, plus strand): 5'-AGGCATGTATTGGTTTCATGTAAGACTTGTAATAACTTGTGTGTGTATTCTTTCAGAGCA[C>T]AGGCTGGTGAACTGTGGGTTAAGAATGAGAAGGTCATGTGTGGCTACATCAGTGAAGATA-3'

ClinVar aggregate classification (germline): Pathogenic. Review status: criteria provided, multiple submitters, no conflicts (2 of 4 stars). 4 submissions from 4 submitters: Pathogenic (2). 2 of the submissions do not count toward it. Last evaluated 2024-10-10.

Conditions:
Familial focal epilepsy with variable foci (FPEVF). Identifiers: Orphanet 98820, MedGen C1858477, MONDO:0020310.
Epilepsy, familial focal, with variable foci 1 (FFEVF1). Also called: DEPDC5-Related Epilepsy. Identifiers: MedGen C4551983, MONDO:0024556, OMIM 604364.

Submissions (4):

Victorian Clinical Genetics Services, Murdoch Childrens Research Institute
Classification: Pathogenic for Epilepsy, familial focal, with variable foci 1. Last evaluated: 2024-10-10. Review status: criteria provided, single submitter. Criteria: ACMG Guidelines, 2015. Collection method: clinical testing. Allele origin: germline. Inheritance: Autosomal dominant inheritance. Affected: yes.
Comment: Based on the classification scheme VCGS_Germline_v1.3.5, this variant is classified as Pathogenic. Following criteria are met: 0102 - Loss of function is a known mechanism of disease in this gene and is associated with familial focal epilepsy with variable foci 1 (MIM#604364) and developmental and epileptic encephalopathy 111 (MIM#620504). (I) 0108 - This gene is associated with both recessive and dominant disease. Familial focal epilepsy with variable foci 1 (MIM#604364) is autosomal dominant while developmental and epileptic encephalopathy 111 (MIM#620504) is autosomal recessive. (I) 0112 - The condition associated with this gene has incomplete penetrance. Unaffected individuals with pathogenic familial variants are commonly reported, with penetrance estimated to be between 66% and 70% (PMIDs: 30767899, 32848577). (I) 0115 - Variants in this gene are known to have variable expressivity. Disease presentation in affected individuals is known to vary considerably even within the same family, from mild febrile seizures to severe focal epilepsy with cortical malformations (PMIDs: 27066554, 32848577). (I) 0201 - Variant is predicted to cause nonsense-mediated decay (NMD) and loss of protein (premature termination codon is located at least 54 nucleotides upstream of the final exon-exon junction). (SP) 0251 - This variant is heterozygous. (I) 0301 - Variant is absent from gnomAD (v2, v3 and v4). (SP) 0701 - Other NMD-predicted variants comparable to the one identified in this case have very strong previous evidence for pathogenicity (DECIPHER). (SP) 0803 - This variant has limited previous evidence of pathogenicity in unrelated individuals. This variant has been identified in at least one family with epilepsy (PMIDs: 24585383, 28199897). (I) Legend: (SP) - Supporting pathogenic, (I) - Information, (SB) - Supporting benign

Labcorp Genetics (formerly Invitae), Labcorp
Classification: Pathogenic for Familial focal epilepsy with variable foci. Last evaluated: 2022-09-25. Review status: criteria provided, single submitter. Criteria: Invitae Variant Classification Sherloc (09022015). Collection method: clinical testing. Allele origin: germline.
Comment: This sequence change creates a premature translational stop signal (p.Gln140*) in the DEPDC5 gene. It is expected to result in an absent or disrupted protein product. Loss-of-function variants in DEPDC5 are known to be pathogenic (PMID: 23542697, 23542701). This variant is not present in population databases (gnomAD no frequency). This premature translational stop signal has been observed in individual(s) with focal epilepsy (PMID: 24585383, 28199897). ClinVar contains an entry for this variant (Variation ID: 190476). For these reasons, this variant has been classified as Pathogenic.

OMIM
Classification: Pathogenic for EPILEPSY, FAMILIAL FOCAL, WITH VARIABLE FOCI 1. Last evaluated: 2014-05-01. Review status: no assertion criteria provided. Collection method: literature only. Allele origin: germline. Not counted in ClinVar's aggregate classification.

GeneReviews
No classification provided. Condition: Epilepsy, familial focal, with variable foci 1. Review status: no classification provided. Collection method: literature only. Allele origin: germline. Affected: yes. Not counted in ClinVar's aggregate classification.

Literature cited by the submitters: PubMed 24585383 (cited by 3 submitters); PubMed 27066554 (cited by Victorian Clinical Genetics Services, Murdoch Childrens Research Institute); PubMed 28199897 (cited by Victorian Clinical Genetics Services, Murdoch Childrens Research Institute and Labcorp Genetics (formerly Invitae), Labcorp); PubMed 30767899 (cited by Victorian Clinical Genetics Services, Murdoch Childrens Research Institute); PubMed 32848577 (cited by Victorian Clinical Genetics Services, Murdoch Childrens Research Institute); PubMed 23542697 (cited by Labcorp Genetics (formerly Invitae), Labcorp); PubMed 23542701 (cited by Labcorp Genetics (formerly Invitae), Labcorp); Scheffer, I. E., Heron, S. E., Regan, B. M., Mandelstam, S., Crompton, D. E., Hodgson, B. L., Licchetta, L., Provini, F., Bisulli, F., Vadlamudi, L., Gecz, J., Connelly, A., Tinuper, P., Ricos, M. G., Berkovic, S. F., Dibbens, L. M. Mutations in mammalian target of rapamycin regulator DEPDC5 cause focal epilepsy with brain malformations. Ann. Neurol. 75: 782-787, 2014. (cited by OMIM); NCBI Bookshelf NBK385626 (cited by GeneReviews).